The following is an entry in ClinVar:

NM_015374.3(SUN2):c.1100A>G (p.Gln367Arg)

Genes: GTPBP1 (GTP binding protein 1; plus strand), SUN2 (Sad1 and UNC84 domain containing 2; minus strand). Cytogenetic location: 22q13.1.
Variant type: single nucleotide variant.
Coding change: c.1100A>G on transcript NM_015374.3 (MANE Select); coding-DNA position 1100, A replaced by G.
Protein change: p.Gln367Arg; replaces glutamine 367 with arginine.
Molecular consequence: missense variant. On other transcripts: intron variant (3).
Genome position (GRCh38, 1-based): chr22:38,741,540, T>C on the plus strand (A>G on the coding strand, the complement: SUN2 is on the minus strand). VCF-style: chr22-38741540-T-C. GRCh37 (hg19) VCF-style: chr22-39137545-T-C.
Other names: c.1163A>G, p.Gln388Arg (NM_001199579.2, NM_001394428.1); c.1100A>G, p.Gln367Arg (NM_001199580.2, NM_001394431.1, NM_001394432.1 and 5 more transcripts); c.1193A>G, p.Gln398Arg (NM_001394427.1); c.1145A>G, p.Gln382Arg (NM_001394429.1, NM_001394430.1); c.1010A>G, p.Gln337Arg (NM_001394438.1); c.962A>G, p.Gln321Arg (NM_001394439.1, NM_001394440.1, NM_001394441.1); c.608A>G, p.Gln203Arg (NM_001394443.1); c.615-1108A>G (NM_001394444.1, NM_001394445.1); and 1 more; short protein forms Q337R, Q203R, Q382R, Q321R, Q367R, Q388R, Q398R.
Identifiers: ClinVar variation 3712610 (VCV003712610.2).

ClinVar aggregate classification (germline): Uncertain significance (1 of 4 stars; one submission).

Conditions:
Emery-Dreifuss muscular dystrophy (EDMD). Also called: Scapuloperoneal syndrome, X-linked (formerly); Humeroperoneal neuromuscular disease, (formerly). Identifiers: Orphanet 261, MedGen C0410189, MONDO:0016830.

gnomAD v4.1: 2 of 1,614,086 alleles (0.00012%); highest among the groups gnomAD compares: South Asian, 0.0022%; no homozygotes.

Submission:

Labcorp Genetics (formerly Invitae), Labcorp
Classification: Uncertain significance for Emery-Dreifuss muscular dystrophy. Last evaluated: 2024-07-03. Review status: criteria provided, single submitter. Criteria: Invitae Variant Classification Sherloc (09022015). Collection method: clinical testing. Allele origin: germline.
Comment: This sequence change replaces glutamine, which is neutral and polar, with arginine, which is basic and polar, at codon 367 of the SUN2 protein (p.Gln367Arg). This variant is not present in population databases (gnomAD no frequency). This variant has not been reported in the literature in individuals affected with SUN2-related conditions. An algorithm developed to predict the effect of missense changes on protein structure and function (PolyPhen-2) suggests that this variant is likely to be tolerated. In summary, the available evidence is currently insufficient to determine the role of this variant in disease. Therefore, it has been classified as a Variant of Uncertain Significance.